The following is an entry in ClinVar:

ClinVar aggregate classification (germline): Uncertain significance. Review status: criteria provided, multiple submitters, no conflicts (2 of 4 stars). 2 submissions from 2 submitters: Uncertain significance (2). Last evaluated 2024-07-08.

Conditions:
Autosomal dominant spastic paraplegia type 9. Identifiers: MedGen C1832669, MONDO:0015091.
Cutis laxa, autosomal dominant 3 (ADCL3). Identifiers: Orphanet 90348, MedGen C4225268, MONDO:0014706, OMIM 616603.
de Barsy syndrome. Also called: Cutis laxa-corneal clouding-oligophrenia syndrome. Identifiers: Orphanet 2962, MedGen C0268354, MONDO:0017569.

Allele frequency attached by ClinVar (database versions not stated): gnomAD exomes below 0.00001 and 0.00001; TOPMed below 0.00001; gnomAD 0.00001.
gnomAD v4.1: 22 of 1,614,038 alleles (0.0014%); highest among the groups gnomAD compares: Non-Finnish European, 0.0017%; no homozygotes.

Submissions (2):

Labcorp Genetics (formerly Invitae), Labcorp
Classification: Uncertain significance for Autosomal dominant spastic paraplegia type 9; de Barsy syndrome; Cutis laxa, autosomal dominant 3. Last evaluated: 2024-07-08. Review status: criteria provided, single submitter. Criteria: Invitae Variant Classification Sherloc (09022015). Collection method: clinical testing. Allele origin: germline.
Comment: This sequence change replaces serine, which is neutral and polar, with glycine, which is neutral and non-polar, at codon 693 of the ALDH18A1 protein (p.Ser693Gly). This variant is present in population databases (no rsID available, gnomAD 0.0009%). This missense change has been observed in individual(s) with clinical features of autosomal recessive hereditary spastic paraplegia (Invitae). ClinVar contains an entry for this variant (Variation ID: 658085). Advanced modeling of protein sequence and biophysical properties (such as structural, functional, and spatial information, amino acid conservation, physicochemical variation, residue mobility, and thermodynamic stability) performed at Invitae indicates that this missense variant is expected to disrupt ALDH18A1 protein function with a positive predictive value of 95%. In summary, the available evidence is currently insufficient to determine the role of this variant in disease. Therefore, it has been classified as a Variant of Uncertain Significance.

Blueprint Genetics
Classification: Uncertain significance. Last evaluated: 2024-03-04. Review status: criteria provided, single submitter. Criteria: ACMG Guidelines, 2015. Collection method: clinical testing. Allele origin: germline.

NM_002860.4(ALDH18A1):c.2077A>G (p.Ser693Gly)

Gene: ALDH18A1 (aldehyde dehydrogenase 18 family member A1; minus strand). Cytogenetic location: 10q24.1.
Variant type: single nucleotide variant.
Coding change: c.2077A>G on transcript NM_002860.4 (MANE Select); coding-DNA position 2077, A replaced by G.
Protein change: p.Ser693Gly; replaces serine 693 with glycine.
Molecular consequence: missense variant.
Genome position (GRCh38, 1-based): chr10:95,611,289, T>C on the plus strand (A>G on the coding strand, the complement: ALDH18A1 is on the minus strand). VCF-style: chr10-95611289-T-C. GRCh37 (hg19) VCF-style: chr10-97371046-T-C.
Other names: c.2071A>G, p.Ser691Gly (NM_001017423.2, NM_001323415.2); c.1744A>G, p.Ser582Gly (NM_001323412.2, NM_001323416.2); c.2077A>G, p.Ser693Gly (NM_001323413.2, NM_001323414.2); c.1972A>G, p.Ser658Gly (NM_001323417.2); c.1738A>G, p.Ser580Gly (NM_001323418.2); c.1441A>G, p.Ser481Gly (NM_001323419.2); short protein forms S582G, S658G, S481G, S691G, S580G, S693G.
Identifiers: ClinVar variation 658085 (VCV000658085.11), dbSNP rs1363547996, ClinGen allele CA377699852.
Genomic context (GRCh38, chr10:95,611,289, plus strand): 5'-GTATGCGGGAAGCATCTGGACACTGACCGTCCTCTGTGACGATGACATCCGTGTGGGAGC[T>C]GCCATACTTGTGGATGTGGTCAATGGCATCCTGAACGTTGTCCACTACTTCAATGCATAA-3'
Protein context (NP_002851.2, residues 683-703): DAIDHIHKYG[Ser693Gly]SHTDVIVTED